The following is an entry in ClinVar:

ClinVar aggregate classification (germline): Uncertain significance (1 of 4 stars; one submission).

Submission:

Dasa
Classification: Uncertain significance. Last evaluated: 2025-01-14. Review status: criteria provided, single submitter. Criteria: DASA Assertion Criteria. Collection method: clinical testing. Allele origin: germline.
Comment: NM_032119.4(ADGRV1):c.13569C>G (p.Ser4523Arg) is a missense variant that results in the substitution of serine with arginine. This variant is absent from population databases. Computational prediction algorithms are consistent with a benign effect. The currently available literature and clinical evidence are not sufficient to establish a definitive association between this variant and the reported condition. Therefore, this variant is classified as a variant of uncertain significance.

NM_032119.4(ADGRV1):c.13569C>G (p.Ser4523Arg)

Gene: ADGRV1 (adhesion G protein-coupled receptor V1; plus strand). Cytogenetic location: 5q14.3.
Variant type: single nucleotide variant.
Coding change: c.13569C>G on transcript NM_032119.4 (MANE Select); coding-DNA position 13569, C replaced by G.
Protein change: p.Ser4523Arg; replaces serine 4523 with arginine.
Molecular consequence: missense variant. On other transcripts: non-coding transcript variant (1).
Genome position (GRCh38, 1-based): chr5:90,783,973, C>G. VCF-style: chr5-90783973-C-G. GRCh37 (hg19) VCF-style: chr5-90079790-C-G.
Other names: short protein forms S4523R.
Identifiers: ClinVar variation 4881100 (VCV004881100.2).